The following is an entry in ClinVar:

ClinVar aggregate classification (germline): Uncertain significance. Review status: criteria provided, multiple submitters, no conflicts (2 of 4 stars). 2 submissions from 2 submitters: Uncertain significance (2). Last evaluated 2025-08-30.

Conditions:
Inborn genetic diseases. Identifiers: MedGen C0950123, MeSH D030342.

Allele frequency attached by ClinVar (database versions not stated): TOPMed 0.00032; gnomAD 0.00034; gnomAD exomes 0.00034; ExAC 0.00035; ESP Exome Variant Server 0.00054.
gnomAD v4.1: 549 of 1,606,136 alleles (0.034%); highest among the groups gnomAD compares: Middle Eastern, 0.049%; no homozygotes.

Submissions (2):

Labcorp Genetics (formerly Invitae), Labcorp
Classification: Uncertain significance. Last evaluated: 2025-08-30. Review status: criteria provided, single submitter. Criteria: Invitae Variant Classification Sherloc (09022015). Collection method: clinical testing. Allele origin: germline.
Comment: This sequence change replaces isoleucine, which is neutral and non-polar, with methionine, which is neutral and non-polar, at codon 711 of the PDE10A protein (p.Ile711Met). This variant is present in population databases (rs148138380, gnomAD 0.05%). This variant has not been reported in the literature in individuals affected with PDE10A-related conditions. ClinVar contains an entry for this variant (Variation ID: 2059987). Invitae Evidence Modeling of protein sequence and biophysical properties (such as structural, functional, and spatial information, amino acid conservation, physicochemical variation, residue mobility, and thermodynamic stability) indicates that this missense variant is not expected to disrupt PDE10A protein function with a negative predictive value of 80%. In summary, the available evidence is currently insufficient to determine the role of this variant in disease. Therefore, it has been classified as a Variant of Uncertain Significance.

Ambry Genetics
Classification: Uncertain significance for Inborn genetic diseases. Last evaluated: 2021-10-12. Review status: criteria provided, single submitter. Criteria: Ambry Variant Classification Scheme 2023. Collection method: clinical testing. Allele origin: germline.

NM_001385079.1(PDE10A):c.2931T>G (p.Ile977Met)

Gene: PDE10A (phosphodiesterase 10A; minus strand). Cytogenetic location: 6q27.
Variant type: single nucleotide variant.
Coding change: c.2931T>G on transcript NM_001385079.1 (MANE Select); coding-DNA position 2931, T replaced by G.
Protein change: p.Ile977Met; replaces isoleucine 977 with methionine.
Molecular consequence: missense variant.
Genome position (GRCh38, 1-based): chr6:165,339,323, A>C on the plus strand (T>G on the coding strand, the complement: PDE10A is on the minus strand). VCF-style: chr6-165339323-A-C. GRCh37 (hg19) VCF-style: chr6-165752812-A-C.
Other names: c.2133T>G, p.Ile711Met (NM_001130690.3); c.2103T>G, p.Ile701Met (NM_006661.4); short protein forms I711M, I977M, I701M.
Identifiers: ClinVar variation 2059987 (VCV002059987.5), dbSNP rs148138380, ClinGen allele CA4091973.